The following is an entry in ClinVar:

ClinVar aggregate classification (germline): Uncertain significance (1 of 4 stars; one submission).

Allele frequency attached by ClinVar (database versions not stated): gnomAD exomes below 0.00001.
gnomAD v4.1: 1 of 1,614,206 alleles (0.000062%); highest among the groups gnomAD compares: South Asian, 0.0011%; no homozygotes.

Submission:

GeneDx
Classification: Uncertain significance. Last evaluated: 2022-03-07. Review status: criteria provided, single submitter. Criteria: GeneDx Variant Classification Process June 2021. Collection method: clinical testing. Allele origin: germline. Affected: yes.
Comment: Not observed at significant frequency in large population cohorts (gnomAD); In silico analysis supports that this missense variant does not alter protein structure/function; Has not been previously published as pathogenic or benign to our knowledge

NM_014704.4(CEP104):c.1005G>C (p.Gln335His)

Gene: CEP104 (centrosomal protein 104; minus strand). Cytogenetic location: 1p36.32.
Variant type: single nucleotide variant.
Coding change: c.1005G>C on transcript NM_014704.4 (MANE Select); coding-DNA position 1005, G replaced by C.
Protein change: p.Gln335His; replaces glutamine 335 with histidine.
Molecular consequence: missense variant.
Genome position (GRCh38, 1-based): chr1:3,837,406, C>G on the plus strand (G>C on the coding strand, the complement: CEP104 is on the minus strand). VCF-style: chr1-3837406-C-G. GRCh37 (hg19) VCF-style: chr1-3753970-C-G.
Other names: short protein forms Q335H.
Identifiers: ClinVar variation 1704727 (VCV001704727.2), dbSNP rs779040472, ClinGen allele CA338042286.